The following is an entry in ClinVar:

NM_003850.3(SUCLA2):c.73del (p.Gln25fs)

Genes: SUCLA2 (succinate-CoA ligase ADP-forming subunit beta; minus strand), LOC130009747 (ATAC-STARR-seq lymphoblastoid active region 7719; plus strand). Cytogenetic location: 13q14.2.
Variant type: Deletion.
Coding change: c.73del on transcript NM_003850.3 (MANE Select); coding-DNA position 73, one base deleted (C; older notation c.73delC).
Protein change: p.Gln25fs; shifts the reading frame from glutamine 25.
Molecular consequence: frameshift variant.
Genome position (GRCh38, 1-based): chr13:48,001,197, G deleted on the plus strand (C on the coding strand, the reverse complement: SUCLA2 is on the minus strand); the first of 3 consecutive G bases (chr13:48,001,197-48,001,199); deleting any one gives the same sequence. VCF-style (leftmost placement, unchanged base first): chr13-48001196-TG-T. GRCh37 (hg19) VCF-style: chr13-48575332-TG-T.
Other names: short protein forms Q25fs.
Identifiers: ClinVar variation 4880596 (VCV004880596.2).

ClinVar aggregate classification (germline): Likely pathogenic (1 of 4 stars; one submission).

Submission:

Dasa
Classification: Likely pathogenic. Last evaluated: 2025-08-04. Review status: criteria provided, single submitter. Criteria: DASA Assertion Criteria. Collection method: clinical testing. Allele origin: germline.
Comment: NM_003850.3(SUCLA2):c.73del (p.Gln25Serfs*35) is a frameshift variant in SUCLA2 predicted to alter the reading frame and introduce a premature termination codon and is predicted to result in an absent or altered protein product. Loss of function is an established disease mechanism for SUCLA2-associated disorders. Also, this variant is rare in population databases. Based on the currently available evidence, this variant is classified as likely pathogenic.